The following is an entry in ClinVar:

ClinVar aggregate classification (germline): Uncertain significance (1 of 4 stars; one submission).

Allele frequency attached by ClinVar (database versions not stated): gnomAD exomes below 0.00001.
gnomAD v4.1: 1 of 1,614,206 alleles (0.000062%); highest among the groups gnomAD compares: Non-Finnish European, 0.000085%; no homozygotes.

Submission:

GeneDx
Classification: Uncertain significance. Last evaluated: 2022-01-24. Review status: criteria provided, single submitter. Criteria: GeneDx Variant Classification Process June 2021. Collection method: clinical testing. Allele origin: germline. Affected: yes.
Comment: Not observed at significant frequency in large population cohorts (gnomAD); In silico analysis supports that this missense variant does not alter protein structure/function; Has not been previously published as pathogenic or benign to our knowledge

NM_014629.4(ARHGEF10):c.3220G>A (p.Glu1074Lys)

Gene: ARHGEF10 (Rho guanine nucleotide exchange factor 10; plus strand). Cytogenetic location: 8p23.3.
Variant type: single nucleotide variant.
Coding change: c.3220G>A on transcript NM_014629.4 (MANE Select); coding-DNA position 3220, G replaced by A.
Protein change: p.Glu1074Lys; replaces glutamic acid 1074 with lysine.
Molecular consequence: missense variant.
Genome position (GRCh38, 1-based): chr8:1,933,940, G>A. VCF-style: chr8-1933940-G-A. GRCh37 (hg19) VCF-style: chr8-1882106-G-A.
Other names: c.3106G>A, p.Glu1036Lys (NM_001308152.2); c.3220G>A, p.Glu1074Lys (NM_001308153.3); short protein forms E1036K, E1074K, E1098K.
Identifiers: ClinVar variation 1698233 (VCV001698233.2), dbSNP rs2129237651, ClinGen allele CA369970751.